The following is an entry in ClinVar:

NM_001083116.3(PRF1):c.200T>C (p.Leu67Pro)

Gene: PRF1 (perforin 1; minus strand). Cytogenetic location: 10q22.1.
Variant type: single nucleotide variant.
Coding change: c.200T>C on transcript NM_001083116.3 (MANE Select); coding-DNA position 200, T replaced by C.
Protein change: p.Leu67Pro; replaces leucine 67 with proline.
Molecular consequence: missense variant.
Genome position (GRCh38, 1-based): chr10:70,600,703, A>G on the plus strand (T>C on the coding strand, the complement: PRF1 is on the minus strand). VCF-style: chr10-70600703-A-G. GRCh37 (hg19) VCF-style: chr10-72360459-A-G.
Other names: c.200T>C, p.Leu67Pro (NM_005041.6); short protein forms L67P.
Identifiers: ClinVar variation 3339487 (VCV003339487.1).

ClinVar aggregate classification (germline): Uncertain significance (1 of 4 stars; one submission).

Submission:

Women's Health and Genetics/Laboratory Corporation of America, LabCorp
Classification: Uncertain significance. Last evaluated: 2024-07-16. Review status: criteria provided, single submitter. Criteria: LabCorp Variant Classification Summary - May 2015. Collection method: clinical testing. Allele origin: germline.
Comment: Variant summary: PRF1 c.200T>C (p.Leu67Pro) results in a non-conservative amino acid change located in the Membrane attack complex component/perforin (MACPF) domain (IPR020864) of the encoded protein sequence. Three of five in-silico tools predict a damaging effect of the variant on protein function. The variant was absent in 250260 control chromosomes (gnomAD). The available data on variant occurrences in the general population are insufficient to allow any conclusion about variant significance. c.200T>C has been reported in the literature in an individual affected with Familial Hemophagocytic Lymphohistiocytosis (Hu_2018). These data do not allow any conclusion about variant significance. To our knowledge, no experimental evidence demonstrating an impact on protein function has been reported. The following publication has been ascertained in the context of this evaluation (PMID: 29095814). No submitters have cited clinical-significance assessments for this variant to ClinVar. Based on the evidence outlined above, the variant was classified as uncertain significance.

Literature cited by the submitters: PubMed 29095814.